The following is an entry in ClinVar:

ClinVar aggregate classification (germline): Likely benign. Review status: criteria provided, multiple submitters, no conflicts (2 of 4 stars). 10 submissions from 10 submitters: Likely benign (6). 4 of the submissions do not count toward it. Last evaluated 2026-07-01.

Conditions:
Cerebral arteriopathy, autosomal dominant, with subcortical infarcts and leukoencephalopathy, type 1 (CADASIL1). Also called: DEMENTIA, HEREDITARY MULTIINFARCT TYPE; CADASIL 1; CASIL; Cerebral arteriopathy with subcortical infarcts and leukoencephalopathy 1. Identifiers: Orphanet 136, MedGen C4551768, MONDO:0000914, OMIM 125310.
Lateral meningocele syndrome (LMNS). Also called: NOTCH3-Related Lateral Meningocele Syndrome. Identifiers: Orphanet 2789, MedGen C1851710, MONDO:0007537, OMIM 130720.
Myofibromatosis, infantile, 2. Identifiers: Orphanet 2591, MedGen C3809084, MONDO:0014122, OMIM 615293.
NOTCH3-related disorder. Also called: NOTCH3-related condition; NOTCH3-related disorders.

Allele frequency attached by ClinVar (database versions not stated): gnomAD 0.00010; TOPMed 0.00015; ESP Exome Variant Server 0.00016.
gnomAD v4.1: 379 of 1,589,186 alleles (0.024%); highest among the groups gnomAD compares: Non-Finnish European, 0.03%; no homozygotes.

Submissions (10):

CeGaT Center for Human Genetics Tuebingen
Classification: Likely benign. Last evaluated: 2026-07-01. Review status: criteria provided, single submitter. Criteria: CeGaT Center For Human Genetics Tuebingen Variant Classification Criteria Version 2. Collection method: clinical testing. Allele origin: germline. Affected: yes. Observed: 1 variant allele.
Comment: NOTCH3: BP4, BP7

Blueprint Genetics
Classification: Likely benign. Last evaluated: 2024-06-05. Review status: criteria provided, single submitter. Criteria: ACMG Guidelines, 2015. Collection method: clinical testing. Allele origin: germline.

Labcorp Genetics (formerly Invitae), Labcorp
Classification: Likely benign. Last evaluated: 2023-04-26. Review status: criteria provided, single submitter. Criteria: Invitae Variant Classification Sherloc (09022015). Collection method: clinical testing. Allele origin: germline.

Fulgent Genetics
Classification: Likely benign for Cerebral arteriopathy, autosomal dominant, with subcortical infarcts and leukoencephalopathy, type 1; Lateral meningocele syndrome; Myofibromatosis, infantile, 2. Last evaluated: 2021-08-21. Review status: criteria provided, single submitter. Criteria: ACMG Guidelines, 2015. Collection method: clinical testing. Allele origin: unknown.

ARUP Laboratories, Molecular Genetics and Genomics, ARUP Laboratories
Classification: Likely benign. Last evaluated: 2020-01-03. Review status: criteria provided, single submitter. Criteria: ARUP Molecular Germline Variant Investigation Process. Collection method: clinical testing. Allele origin: germline.

Breakthrough Genomics
Classification: Likely benign. Review status: criteria provided, single submitter. Criteria: ACMG Guidelines, 2015. Collection method: not provided. Allele origin: germline. Inheritance: Autosomal dominant inheritance. Affected: yes.

PreventionGenetics, part of Exact Sciences
Classification: Likely benign for NOTCH3-related condition. Last evaluated: 2023-09-03. Review status: no assertion criteria provided. Collection method: clinical testing. Allele origin: germline. Not counted in ClinVar's aggregate classification.
Comment: This variant is classified as likely benign based on ACMG/AMP sequence variant interpretation guidelines (Richards et al. 2015 PMID: 25741868, with internal and published modifications).

Clinical Genetics DNA and cytogenetics Diagnostics Lab, Erasmus MC, Erasmus Medical Center
Classification: Likely benign. Review status: no assertion criteria provided. Collection method: clinical testing. Allele origin: germline. Affected: yes. Study: VKGL Data-share Consensus. Not counted in ClinVar's aggregate classification.

Genome Diagnostics Laboratory, Amsterdam University Medical Center
Classification: Likely benign. Review status: no assertion criteria provided. Collection method: clinical testing. Allele origin: germline. Affected: yes. Study: VKGL Data-share Consensus. Not counted in ClinVar's aggregate classification.

Laboratory of Diagnostic Genome Analysis, Leiden University Medical Center (LUMC)
Classification: Likely benign. Review status: no assertion criteria provided. Collection method: clinical testing. Allele origin: germline. Affected: yes. Study: VKGL Data-share Consensus. Not counted in ClinVar's aggregate classification.

NM_000435.3(NOTCH3):c.4560G>T (p.Pro1520=)

Gene: NOTCH3 (notch receptor 3; minus strand). Cytogenetic location: 19p13.12.
Variant type: single nucleotide variant.
Coding change: c.4560G>T on transcript NM_000435.3 (MANE Select); coding-DNA position 4560, G replaced by T.
Protein change: p.Pro1520=; no amino-acid change (proline 1520 retained).
Molecular consequence: synonymous variant.
Genome position (GRCh38, 1-based): chr19:15,174,244, C>A on the plus strand (G>T on the coding strand, the complement: NOTCH3 is on the minus strand). VCF-style: chr19-15174244-C-A. GRCh37 (hg19) VCF-style: chr19-15285055-C-A.
Identifiers: ClinVar variation 790468 (VCV000790468.26), dbSNP rs370010007, ClinGen allele CA9262894.